The following is an entry in ClinVar:

ClinVar aggregate classification (germline): Pathogenic/Likely pathogenic. Review status: criteria provided, multiple submitters, no conflicts (2 of 4 stars). 3 submissions from 3 submitters: Pathogenic (1); Likely pathogenic (2). Last evaluated 2025-04-29.

Conditions:
Bardet-Biedl syndrome 1 (BBS1). Identifiers: MedGen C2936862, MONDO:0008854, OMIM 209900. Disease mechanism: loss of function.
Retinitis pigmentosa (RP). Identifiers: Orphanet 791, MedGen C0035334, MeSH D012174, MONDO:0019200, OMIM 268000. Inheritance: Autosomal dominant, autosomal recessive and X linked inheritance.

Submissions (3):

Natera, Inc.
Classification: Likely pathogenic for Bardet-Biedl syndrome type 1. Last evaluated: 2025-04-29. Review status: criteria provided, single submitter. Criteria: Natera Variant Classification Schema (03/2026). Collection method: clinical testing. Allele origin: germline.
Comment: The c.1608+1G>A variant in BBS1 is a canonical splice donor site variant predicted to affect pre-mRNA splicing, which may result in an abnormal transcript and altered protein product. This variant is expected to result in nonsense mediated decay, truncation, or a dysfunctional protein product. This variant is rare in the general population with a frequency below the threshold expected for the associated phenotype(s). Given the available evidence, this variant is classified as Likely Pathogenic.

Fulgent Genetics
Classification: Likely pathogenic for Bardet-Biedl syndrome 1. Last evaluated: 2022-05-27. Review status: criteria provided, single submitter. Criteria: ACMG Guidelines, 2015. Collection method: clinical testing. Allele origin: unknown.

Molecular Genetics Laboratory, Institute for Ophthalmic Research
Classification: Pathogenic for Retinitis pigmentosa. Last evaluated: 2020-01-09. Review status: criteria provided, single submitter. Criteria: ACMG Guidelines, 2015. Collection method: research. Allele origin: germline. Affected: yes.

NM_024649.5(BBS1):c.1608+1G>A

Genes: BBS1 (Bardet-Biedl syndrome 1; plus strand), ZDHHC24 (zDHHC palmitoyltransferase 24; minus strand). Cytogenetic location: 11q13.2.
Variant type: single nucleotide variant.
Coding change: c.1608+1G>A on transcript NM_024649.5 (MANE Select); the canonical splice donor site of the intron after coding-DNA position 1608, G replaced by A.
Molecular consequence: splice donor variant. On other transcripts: intron variant (1).
Genome position (GRCh38, 1-based): chr11:66,531,029, G>A. VCF-style: chr11-66531029-G-A. GRCh37 (hg19) VCF-style: chr11-66298500-G-A.
Other names: c.560-1541C>T (NM_001348571.2); c.1608+1G>A (NM_024649.4).
Identifiers: ClinVar variation 813017 (VCV000813017.3), dbSNP rs1856758582, ClinGen allele CA381425686.
Genomic context (GRCh38, chr11:66,531,029, plus strand): 5'-CTGCTGGTCTGCTTCCTGTACAACGAGGCGCTCTATTCCCTGCCCCGGGCCTTCTTCAAG[G>A]TACTGGATGCTCCTCACTTAGATATGGAGTGGGAAAGGCCAGGGCAGGGGCCTGATGAGA-3'